The following is an entry in ClinVar:

ClinVar aggregate classification (germline): Uncertain significance (1 of 4 stars; one submission).

Submission:

GeneDx
Classification: Uncertain significance. Last evaluated: 2024-06-05. Review status: criteria provided, single submitter. Criteria: GeneDx Variant Classification Process June 2021. Collection method: clinical testing. Allele origin: germline. Affected: yes.
Comment: Not observed at significant frequency in large population cohorts (gnomAD); Missense variants in this gene are a common cause of disease and they are underrepresented in the general population; In silico analysis indicates that this missense variant does not alter protein structure/function; Has not been previously published as pathogenic or benign to our knowledge

NM_004333.6(BRAF):c.69G>T (p.Met23Ile)

Gene: BRAF (B-Raf proto-oncogene, serine/threonine kinase; minus strand). Cytogenetic location: 7q34.
Variant type: single nucleotide variant.
Coding change: c.69G>T on transcript NM_004333.6 (MANE Select); coding-DNA position 69, G replaced by T.
Protein change: p.Met23Ile; replaces methionine 23 with isoleucine.
Molecular consequence: missense variant.
Genome position (GRCh38, 1-based): chr7:140,924,635, C>A on the plus strand (G>T on the coding strand, the complement: BRAF is on the minus strand). VCF-style: chr7-140924635-C-A. GRCh37 (hg19) VCF-style: chr7-140624435-C-A.
Other names: c.69G>T, p.Met23Ile (NM_001354609.2, NM_001374244.1, NM_001374258.1 and 7 more transcripts); short protein forms M23I.
Identifiers: ClinVar variation 424281 (VCV000424281.3), dbSNP rs1064796897, ClinGen allele CA16618360.